The following is an entry in ClinVar:

ClinVar aggregate classification (germline): Pathogenic (1 of 4 stars; one submission).

Submission:

Labcorp Genetics (formerly Invitae), Labcorp
Classification: Pathogenic. Last evaluated: 2023-01-05. Review status: criteria provided, single submitter. Criteria: Invitae Variant Classification Sherloc (09022015). Collection method: clinical testing. Allele origin: germline.
Comment: This sequence change creates a premature translational stop signal (p.Leu73Tyrfs*3) in the MOCS2B gene. It is expected to result in an absent or disrupted protein product. Loss-of-function variants in MOCS2B are known to be pathogenic (PMID: 21031595). This variant is not present in population databases (gnomAD no frequency). This variant has not been reported in the literature in individuals affected with MOCS2B-related conditions. For these reasons, this variant has been classified as Pathogenic.

Literature cited by the submitters: PubMed 21031595.

NM_004531.5(MOCS2):c.217del (p.Leu73fs)

Gene: MOCS2 (molybdenum cofactor synthesis 2; minus strand). Cytogenetic location: 5q11.2.
Variant type: Deletion.
Coding change: c.217del on transcript NM_004531.5 (MANE Select); coding-DNA position 217, one base deleted (C; older notation c.217delC).
Protein change: p.Leu73fs; shifts the reading frame from leucine 73.
Molecular consequence: frameshift variant. On other transcripts: 3 prime UTR variant (1).
Genome position (GRCh38, 1-based): chr5:53,102,106, G deleted on the plus strand (C on the coding strand, the reverse complement: MOCS2 is on the minus strand); the first of 3 consecutive G bases (chr5:53,102,106-53,102,108); deleting any one gives the same sequence. VCF-style (leftmost placement, unchanged base first): chr5-53102105-AG-A. GRCh37 (hg19) VCF-style: chr5-52397935-AG-A.
Other names: c.*137del (NM_176806.4); c.215delC, p.Leu73Tyrfs (NM_183418.1); short protein forms L73fs.
Identifiers: ClinVar variation 2826287 (VCV002826287.3), dbSNP rs2478601175, ClinGen allele CA2739274712.
Genomic context (GRCh38, chr5:53,102,105, plus strand): 5'-CTAATTTCTATTGTCTTATACAGTGATAGATGCAATGAAAATTACAACTCACCTACAAAT[AG>A]GGATATTGCACCACAGAGCGGAGAAATCACCAACTGTGAGACTTCATCTACTGAAAGTTT-3'